The following is an entry in ClinVar:

ClinVar aggregate classification (germline): Benign. Review status: criteria provided, multiple submitters, no conflicts (2 of 4 stars). 2 submissions from 2 submitters: Benign (2). Last evaluated 2018-06-14.

Allele frequency attached by ClinVar (database versions not stated): gnomAD exomes 0.08729; gnomAD 0.17621 and 0.18047; TOPMed 0.18859; 1000 Genomes Project 0.21326; 1000 Genomes Project 30x 0.21721.
gnomAD v4.1: 150,265 of 1,557,804 alleles (9.6%); highest among the groups gnomAD compares: African/African-American, 40%; 11,367 homozygotes.

Submissions (2):

GeneDx
Classification: Benign. Last evaluated: 2018-06-14. Review status: criteria provided, single submitter. Criteria: GeneDx Variant Classification (06012015). Collection method: clinical testing. Allele origin: germline. Affected: yes.
Comment: This variant is considered likely benign or benign based on one or more of the following criteria: it is a conservative change, it occurs at a poorly conserved position in the protein, it is predicted to be benign by multiple in silico algorithms, and/or has population frequency not consistent with disease.

Breakthrough Genomics
Classification: Benign. Review status: criteria provided, single submitter. Criteria: ACMG Guidelines, 2015. Collection method: not provided. Allele origin: germline. Inheritance: Autosomal recessive inheritance. Affected: yes.

NM_001258392.3(CLPB):c.1786-55A>G

Gene: CLPB (ClpB family mitochondrial disaggregase; minus strand). Cytogenetic location: 11q13.4.
Variant type: single nucleotide variant.
Coding change: c.1786-55A>G on transcript NM_001258392.3 (MANE Select); 55 bases into the intron before coding-DNA position 1786, A replaced by G.
Molecular consequence: intron variant.
Genome position (GRCh38, 1-based): chr11:72,293,670, T>C on the plus strand (A>G on the coding strand, the complement: CLPB is on the minus strand). VCF-style: chr11-72293670-T-C. GRCh37 (hg19) VCF-style: chr11-72004714-T-C.
Other names: c.1699-55A>G (NM_001258393.3); c.1876-55A>G (NM_030813.6); c.1741-55A>G (NM_001258394.3).
Identifiers: ClinVar variation 676262 (VCV000676262.2), dbSNP rs680660, ClinGen allele CA13506087.